The following is an entry in ClinVar:

NM_000059.4(BRCA2):c.9774_9775del (p.Glu3258fs)

Gene: BRCA2 (BRCA2 DNA repair associated; plus strand). Cytogenetic location: 13q13.1.
Variant type: Microsatellite.
Coding change: c.9774_9775del on transcript NM_000059.4 (MANE Select); coding-DNA positions 9774 to 9775, 2 bases deleted (GA; older notation c.9774_9775delGA).
Protein change: p.Glu3258fs; shifts the reading frame from glutamic acid 3258.
Molecular consequence: frameshift variant.
Genome position (GRCh38, 1-based): chr13:32,398,287-32,398,288, GA deleted; deleting any 2 consecutive bases within chr13:32,398,284-32,398,288 gives the same sequence; the c. name uses the placement nearest the transcript's 3' end. VCF-style (leftmost placement, unchanged base first): chr13-32398283-AAG-A. GRCh37 (hg19) VCF-style: chr13-32972420-AAG-A.
Other names: c.9676_9677GA[1], p.Glu3226Aspfs (NM_001406719.1); c.9721_9722GA[1], p.Glu3241Aspfs (NM_001406720.1); c.4840_4841GA[1], p.Glu1614Aspfs (NM_001406721.1); c.3355_3356GA[1], p.Glu1119Aspfs (NM_001406722.1); short protein forms E3258fs.
Identifiers: ClinVar variation 2011249 (VCV002011249.5), dbSNP rs1593201811, ClinGen allele CA2580614703.

ClinVar aggregate classification (germline): Pathogenic. Review status: criteria provided, multiple submitters, no conflicts (2 of 4 stars). 2 submissions from 2 submitters: Pathogenic (2). Last evaluated 2025-06-30.

Conditions:
Hereditary breast ovarian cancer syndrome. Also called: Hereditary breast and ovarian cancer syndrome (HBOC); Hereditary breast and ovarian cancer syndrome; Hereditary breast and ovarian cancer; Breast and ovarian cancer; BRCA1- and BRCA2-Associated Hereditary Breast and Ovarian Cancer; Hereditary breast and/or ovarian cancer syndrome. Identifiers: Orphanet 145, MedGen C0677776, MeSH D061325, MONDO:0003582. Disease mechanism: loss of function.
Hereditary cancer-predisposing syndrome. Also called: Tumor predisposition; Neoplastic Syndromes, Hereditary; Hereditary Cancer Syndrome; Hereditary neoplastic syndrome. Identifiers: Orphanet 140162, MedGen C0027672, MeSH D009386, MONDO:0015356.

Submissions (2):

Color Diagnostics, LLC DBA Color Health
Classification: Pathogenic for Hereditary cancer-predisposing syndrome. Last evaluated: 2025-06-30. Review status: criteria provided, single submitter. Criteria: ACMG Guidelines, 2015. Collection method: clinical testing. Allele origin: germline.
Comment: This variant deletes 2 nucleotides in exon 27 of the BRCA2 gene, creating a frameshift and premature translation stop signal. This variant is expected to result in a non-functional protein product. To our knowledge, this variant has not been reported in individuals affected with BRCA2-related disorders in the literature. This variant has not been identified in the general population by the Genome Aggregation Database (gnomAD). Loss of BRCA2 function is a known mechanism of disease. Based on the available evidence, this variant is classified as Pathogenic.

Labcorp Genetics (formerly Invitae), Labcorp
Classification: Pathogenic for Hereditary breast ovarian cancer syndrome. Last evaluated: 2023-02-09. Review status: criteria provided, single submitter. Criteria: Invitae Variant Classification Sherloc (09022015). Collection method: clinical testing. Allele origin: germline.
Comment: This sequence change creates a premature translational stop signal (p.Glu3258Aspfs*2) in the BRCA2 gene. While this is not anticipated to result in nonsense mediated decay, it is expected to disrupt the last 161 amino acid(s) of the BRCA2 protein. This variant is not present in population databases (gnomAD no frequency). This variant has not been reported in the literature in individuals affected with BRCA2-related conditions. This variant disrupts a region of the BRCA2 protein in which other variant(s) (p.Tyr3308*) have been determined to be pathogenic (PMID: 17026620, 18593900, 18607349, 22711857). This suggests that this is a clinically significant region of the protein, and that variants that disrupt it are likely to be disease-causing. For these reasons, this variant has been classified as Pathogenic.

Literature cited by the submitters: PubMed 17026620 (cited by Labcorp Genetics (formerly Invitae), Labcorp); PubMed 18593900 (cited by Labcorp Genetics (formerly Invitae), Labcorp); PubMed 18607349 (cited by Labcorp Genetics (formerly Invitae), Labcorp); PubMed 22711857 (cited by Labcorp Genetics (formerly Invitae), Labcorp).